The following is an entry in ClinVar:

ClinVar aggregate classification (germline): Pathogenic. Review status: criteria provided, multiple submitters, no conflicts (2 of 4 stars). 2 submissions from 2 submitters: Pathogenic (2). Last evaluated 2025-12-10.

Conditions:
Choroideremia. Also called: Chorioretinal scalloped atrophy. Identifiers: Orphanet 180, MedGen C0008525, MONDO:0010557, OMIM 303100, HP:0001139.

Submissions (2):

Research Institute for Ophthalmology and Vision Science, Shahid Beheshti University of Medical Sciences
Classification: Pathogenic for Choroideremia. Last evaluated: 2025-12-10. Review status: criteria provided, single submitter. Criteria: ACMG Guidelines, 2015. Collection method: research. Allele origin: inherited. Inheritance: X-linked recessive inheritance. Affected: yes.
Comment: CHM:c.1166+1G>A is a null variant that is absent from gnomAD databases. It has been found in a hemizygous state in patients and co-segregates with the disease in affected family members. It has been reported as pathogenic by other submitters in ClinVar.

Labcorp Genetics (formerly Invitae), Labcorp
Classification: Pathogenic. Last evaluated: 2024-01-04. Review status: criteria provided, single submitter. Criteria: Invitae Variant Classification Sherloc (09022015). Collection method: clinical testing. Allele origin: germline.
Comment: This sequence change affects a donor splice site in intron 8 of the CHM gene. It is expected to disrupt RNA splicing. Variants that disrupt the donor or acceptor splice site typically lead to a loss of protein function (PMID: 16199547), and loss-of-function variants in CHM are known to be pathogenic (PMID: 9067750, 23811034). This variant is not present in population databases (gnomAD no frequency). Disruption of this splice site has been observed in individual(s) with choroideremia (PMID: 27409497, 30995293). Algorithms developed to predict the effect of sequence changes on RNA splicing suggest that this variant may disrupt the consensus splice site. For these reasons, this variant has been classified as Pathogenic.

Literature cited by the submitters: PubMed 30995293 (cited by Research Institute for Ophthalmology and Vision Science, Shahid Beheshti University of Medical Sciences and Labcorp Genetics (formerly Invitae), Labcorp); PubMed 16199547 (cited by Labcorp Genetics (formerly Invitae), Labcorp); PubMed 9067750 (cited by Labcorp Genetics (formerly Invitae), Labcorp); PubMed 23811034 (cited by Labcorp Genetics (formerly Invitae), Labcorp); PubMed 27409497 (cited by Labcorp Genetics (formerly Invitae), Labcorp).

NM_000390.4(CHM):c.1166+1G>A

Gene: CHM (CHM Rab escort protein; minus strand). Cytogenetic location: Xq21.2.
Variant type: single nucleotide variant.
Coding change: c.1166+1G>A on transcript NM_000390.4 (MANE Select); the canonical splice donor site of the intron after coding-DNA position 1166, G replaced by A.
Molecular consequence: splice donor variant.
Genome position (GRCh38, 1-based): chrX:85,956,152, C>T on the plus strand (G>A on the coding strand, the complement: CHM is on the minus strand). VCF-style: chrX-85956152-C-T. GRCh37 (hg19) VCF-style: chrX-85211157-C-T.
Other names: c.722+1G>A (NM_001362519.1, NM_001362517.1, NM_001320959.1 and 1 more transcripts).
Identifiers: ClinVar variation 2780473 (VCV002780473.4), dbSNP rs2147662906, ClinGen allele CA413784702.